The following is an entry in ClinVar:

ClinVar aggregate classification (germline): Conflicting classifications of pathogenicity. Review status: criteria provided, conflicting classifications (1 of 4 stars). 4 submissions from 4 submitters: Uncertain significance (2); Likely benign (2). Last evaluated 2026-04-07.

Conditions:
Rubinstein-Taybi syndrome (RSTS). Identifiers: Orphanet 783, MedGen C0035934, MONDO:0019188.
CREBBP-related disorder. Also called: CREBBP-related condition; CREBBP-related disorders.
Inborn genetic diseases. Identifiers: MedGen C0950123, MeSH D030342.

Allele frequency attached by ClinVar (database versions not stated): ExAC 0.00001; gnomAD 0.00001.
gnomAD v4.1: 9 of 1,613,638 alleles (0.00056%); highest among the groups gnomAD compares: Admixed American, 0.005%; no homozygotes.

Submissions (4):

PreventionGenetics, part of Exact Sciences
Classification: Uncertain significance for CREBBP-related condition. Last evaluated: 2026-04-07. Review status: criteria provided, single submitter. Criteria: ACMG Guidelines, 2015. Collection method: clinical testing. Allele origin: germline.
Comment: The CREBBP c.6452G>T variant is predicted to result in the amino acid substitution p.Arg2151Leu. To our knowledge, this variant has not been reported in the literature. This variant is reported in 0.0029% of alleles in individuals of Latino descent in gnomAD. At this time, the clinical significance of this variant is uncertain due to the absence of conclusive functional and genetic evidence.

CeGaT Center for Human Genetics Tuebingen
Classification: Likely benign. Last evaluated: 2024-08-01. Review status: criteria provided, single submitter. Criteria: CeGaT Center For Human Genetics Tuebingen Variant Classification Criteria Version 2. Collection method: clinical testing. Allele origin: germline. Affected: yes. Observed: 1 variant allele.
Comment: CREBBP: BS1

Labcorp Genetics (formerly Invitae), Labcorp
Classification: Likely benign for Rubinstein-Taybi syndrome. Last evaluated: 2024-05-27. Review status: criteria provided, single submitter. Criteria: Invitae Variant Classification Sherloc (09022015). Collection method: clinical testing. Allele origin: germline.

Ambry Genetics
Classification: Uncertain significance for Inborn genetic diseases. Last evaluated: 2018-07-24. Review status: criteria provided, single submitter. Criteria: Ambry Variant Classification Scheme 2023. Collection method: clinical testing. Allele origin: germline.
Comment: The p.R2151L variant (also known as c.6452G>T), located in coding exon 31 of the CREBBP gene, results from a G to T substitution at nucleotide position 6452. The arginine at codon 2151 is replaced by leucine, an amino acid with dissimilar properties. This amino acid position is well conserved in available vertebrate species. In addition, the in silico prediction for this alteration is inconclusive. Since supporting evidence is limited at this time, the clinical significance of this alteration remains unclear.

NM_004380.3(CREBBP):c.6452G>T (p.Arg2151Leu)

Gene: CREBBP (CREB binding lysine acetyltransferase; minus strand). Cytogenetic location: 16p13.3.
Variant type: single nucleotide variant.
Coding change: c.6452G>T on transcript NM_004380.3 (MANE Select); coding-DNA position 6452, G replaced by T.
Protein change: p.Arg2151Leu; replaces arginine 2151 with leucine.
Molecular consequence: missense variant.
Genome position (GRCh38, 1-based): chr16:3,728,595, C>A on the plus strand (G>T on the coding strand, the complement: CREBBP is on the minus strand). VCF-style: chr16-3728595-C-A. GRCh37 (hg19) VCF-style: chr16-3778596-C-A.
Other names: c.6338G>T, p.Arg2113Leu (NM_001079846.1); short protein forms R2151L, R2113L.
Identifiers: ClinVar variation 1753611 (VCV001753611.22), dbSNP rs749783719, ClinGen allele CA7869105.